The following is an entry in ClinVar:

ClinVar aggregate classification (germline): Benign/Likely benign. Review status: criteria provided, multiple submitters, no conflicts (2 of 4 stars). 2 submissions from 2 submitters: Benign (1); Likely benign (1). Last evaluated 2025-11-01.

Allele frequency attached by ClinVar (database versions not stated): ExAC 0.00002; TOPMed 0.00007; ESP Exome Variant Server 0.00008; gnomAD 0.00009.
gnomAD v4.1: 57 of 1,611,442 alleles (0.0035%); highest among the groups gnomAD compares: African/African-American, 0.02%; no homozygotes.

Submissions (2):

CeGaT Center for Human Genetics Tuebingen
Classification: Likely benign. Last evaluated: 2025-11-01. Review status: criteria provided, single submitter. Criteria: CeGaT Center For Human Genetics Tuebingen Variant Classification Criteria Version 2. Collection method: clinical testing. Allele origin: germline. Affected: yes. Observed: 1 variant allele.
Comment: KMT2B: BP4, BP7

Labcorp Genetics (formerly Invitae), Labcorp
Classification: Benign. Last evaluated: 2025-09-28. Review status: criteria provided, single submitter. Criteria: Invitae Variant Classification Sherloc (09022015). Collection method: clinical testing. Allele origin: germline.

NM_014727.3(KMT2B):c.2334G>A (p.Ala778=)

Gene: KMT2B (lysine methyltransferase 2B; plus strand). Cytogenetic location: 19q13.12.
Variant type: single nucleotide variant.
Coding change: c.2334G>A on transcript NM_014727.3 (MANE Select); coding-DNA position 2334, G replaced by A.
Protein change: p.Ala778=; no amino-acid change (alanine 778 retained).
Molecular consequence: synonymous variant.
Genome position (GRCh38, 1-based): chr19:35,721,681, G>A. VCF-style: chr19-35721681-G-A. GRCh37 (hg19) VCF-style: chr19-36212583-G-A.
Identifiers: ClinVar variation 2143551 (VCV002143551.9), dbSNP rs372447793, ClinGen allele CA9384413.
Genomic context (GRCh38, chr19:35,721,681, plus strand): 5'-ACAGCTGCAGCCACCGCCGTCACCACAGCAGATGCCTCCCCTGGAAAAAGCCCGGATTGC[G>A]GGCGTGGGTTCCTTGCCGCTGTCTGGGGTAGAGGAGAAGATGTTCAGCCTCCTCAAGAGA-3'
Protein context (NP_055542.1, residues 768-788): QMPPLEKARI[Ala778=]GVGSLPLSGV